The following is an entry in ClinVar:

NM_017636.4(TRPM4):c.2375T>A (p.Leu792Gln)

Gene: TRPM4 (transient receptor potential cation channel subfamily M member 4; plus strand). Cytogenetic location: 19q13.33.
Variant type: single nucleotide variant.
Coding change: c.2375T>A on transcript NM_017636.4 (MANE Select); coding-DNA position 2375, T replaced by A.
Protein change: p.Leu792Gln; replaces leucine 792 with glutamine.
Molecular consequence: missense variant. On other transcripts: intron variant (1).
Genome position (GRCh38, 1-based): chr19:49,196,604, T>A. VCF-style: chr19-49196604-T-A. GRCh37 (hg19) VCF-style: chr19-49699861-T-A.
Other names: c.2375T>A (NM_017636.3); c.2030T>A, p.Leu677Gln (NM_001321281.2); c.767T>A, p.Leu256Gln (NM_001321282.2); c.1853T>A, p.Leu618Gln (NM_001321283.2); c.1313T>A, p.Leu438Gln (NM_001321285.2); c.2211-3696T>A (NM_001195227.2); short protein forms L256Q, L677Q, L618Q, L438Q, L792Q.
Identifiers: ClinVar variation 2074172 (VCV002074172.6), dbSNP rs765192070, ClinGen allele CA9569538.

ClinVar aggregate classification (germline): Uncertain significance. Review status: criteria provided, multiple submitters, no conflicts (2 of 4 stars). 3 submissions from 3 submitters: Uncertain significance (3). Last evaluated 2026-07-20.

Conditions:
Cardiovascular phenotype. Identifiers: MedGen CN230736.
Progressive familial heart block type IB (PFHB1B). Identifiers: Orphanet 871, MedGen C1970298, MONDO:0011474, OMIM 604559.

Allele frequency attached by ClinVar (database versions not stated): gnomAD exomes 0.00002; TOPMed 0.00002; gnomAD 0.00003.
gnomAD v4.1: 15 of 1,556,288 alleles (0.00096%); highest among the groups gnomAD compares: Admixed American, 0.0019%; no homozygotes.

Submissions (3):

Ambry Genetics
Classification: Uncertain significance for Cardiovascular phenotype. Last evaluated: 2026-07-20. Review status: criteria provided, single submitter. Criteria: Ambry Variant Classification Scheme 2023. Collection method: clinical testing. Allele origin: germline.
Comment: The p.L792Q variant (also known as c.2375T>A), located in coding exon 17 of the TRPM4 gene, results from a T to A substitution at nucleotide position 2375. The leucine at codon 792 is replaced by glutamine, an amino acid with dissimilar properties. This amino acid position is well conserved in available vertebrate species. In addition, the in silico prediction for this alteration is inconclusive. Based on the available evidence, the clinical significance of this variant remains unclear.

Labcorp Genetics (formerly Invitae), Labcorp
Classification: Uncertain significance for Progressive familial heart block type IB. Last evaluated: 2025-07-04. Review status: criteria provided, single submitter. Criteria: Invitae Variant Classification Sherloc (09022015). Collection method: clinical testing. Allele origin: germline.
Comment: This sequence change replaces leucine, which is neutral and non-polar, with glutamine, which is neutral and polar, at codon 792 of the TRPM4 protein (p.Leu792Gln). This variant is present in population databases (rs765192070, gnomAD 0.03%). This variant has not been reported in the literature in individuals affected with TRPM4-related conditions. ClinVar contains an entry for this variant (Variation ID: 2074172). An algorithm developed to predict the effect of missense changes on protein structure and function (PolyPhen-2) suggests that this variant is likely to be disruptive. In summary, the available evidence is currently insufficient to determine the role of this variant in disease. Therefore, it has been classified as a Variant of Uncertain Significance.

Blueprint Genetics
Classification: Uncertain significance. Last evaluated: 2023-06-21. Review status: criteria provided, single submitter. Criteria: ACMG Guidelines, 2015. Collection method: clinical testing. Allele origin: germline.